The following is an entry in ClinVar:

ClinVar aggregate classification (germline): Likely pathogenic. Review status: criteria provided, multiple submitters, no conflicts (2 of 4 stars). 3 submissions from 3 submitters: Likely pathogenic (3). Last evaluated 2025-09-28.

Conditions:
Ethylmalonic encephalopathy (EE). Also called: Syndrome of encephalopathy, petechiae, and ethylmalonic aciduria; EPEMA syndrome; Encephalopathy, petechiae, and ethylmalonic aciduria. Identifiers: Orphanet 51188, MedGen C1865349, MONDO:0011229, OMIM 602473. Disease mechanism: loss of function.

Allele frequency attached by ClinVar (database versions not stated): gnomAD exomes 0.00001.
gnomAD v4.1: 7 of 1,601,990 alleles (0.00044%); highest among the groups gnomAD compares: Non-Finnish European, 0.0006%; no homozygotes.

Submissions (3):

Natera, Inc.
Classification: Likely pathogenic for Ethylmalonic encephalopathy. Last evaluated: 2025-09-28. Review status: criteria provided, single submitter. Criteria: Natera Variant Classification Schema (03/2026). Collection method: clinical testing. Allele origin: germline.
Comment: The c.506-2A>G variant in ETHE1 is a canonical splice acceptor site variant predicted to affect pre-mRNA splicing, which may result in an abnormal transcript and altered protein product. This variant is expected to result in nonsense mediated decay, truncation, or a dysfunctional protein product. This variant is rare in the general population with a frequency below the threshold expected for the associated phenotype(s). Given the available evidence, this variant is classified as Likely Pathogenic.

Labcorp Genetics (formerly Invitae), Labcorp
Classification: Likely pathogenic for Ethylmalonic encephalopathy. Last evaluated: 2023-07-19. Review status: criteria provided, single submitter. Criteria: Invitae Variant Classification Sherloc (09022015). Collection method: clinical testing. Allele origin: germline.
Comment: In summary, the currently available evidence indicates that the variant is pathogenic, but additional data are needed to prove that conclusively. Therefore, this variant has been classified as Likely Pathogenic. This sequence change affects an acceptor splice site in intron 4 of the ETHE1 gene. It is expected to disrupt RNA splicing. Variants that disrupt the donor or acceptor splice site typically lead to a loss of protein function (PMID: 16199547), and loss-of-function variants in ETHE1 are known to be pathogenic (PMID: 14732903, 19136963). This variant is not present in population databases (gnomAD no frequency). This variant has not been reported in the literature in individuals affected with ETHE1-related conditions. ClinVar contains an entry for this variant (Variation ID: 1494598). Algorithms developed to predict the effect of sequence changes on RNA splicing suggest that this variant may disrupt the consensus splice site.

Baylor Genetics
Classification: Likely pathogenic for Ethylmalonic encephalopathy. Last evaluated: 2023-04-28. Review status: criteria provided, single submitter. Criteria: ACMG Guidelines, 2015. Collection method: clinical testing. Allele origin: unknown.

Literature cited by the submitters: PubMed 16199547 (cited by Labcorp Genetics (formerly Invitae), Labcorp); PubMed 14732903 (cited by Labcorp Genetics (formerly Invitae), Labcorp); PubMed 19136963 (cited by Labcorp Genetics (formerly Invitae), Labcorp).

NM_014297.5(ETHE1):c.506-2A>G

Gene: ETHE1 (ETHE1 persulfide dioxygenase; minus strand). Cytogenetic location: 19q13.31.
Variant type: single nucleotide variant.
Coding change: c.506-2A>G on transcript NM_014297.5 (MANE Select); the canonical splice acceptor site of the intron before coding-DNA position 506, A replaced by G.
Molecular consequence: splice acceptor variant.
Genome position (GRCh38, 1-based): chr19:43,508,866, T>C on the plus strand (A>G on the coding strand, the complement: ETHE1 is on the minus strand). VCF-style: chr19-43508866-T-C. GRCh37 (hg19) VCF-style: chr19-44013018-T-C.
Other names: c.212-2A>G (NM_001320869.2); c.137-2A>G (NM_001320868.2); c.473-2A>G (NM_001320867.2); c.506-2A>G (NM_014297.4).
Identifiers: ClinVar variation 1494598 (VCV001494598.8), dbSNP rs2145979349, ClinGen allele CA406175290.